The following is an entry in ClinVar:

NM_003995.4(NPR2):c.1585A>G (p.Thr529Ala)

Gene: NPR2 (natriuretic peptide receptor 2; plus strand). Cytogenetic location: 9p13.3.
Variant type: single nucleotide variant.
Coding change: c.1585A>G on transcript NM_003995.4 (MANE Select); coding-DNA position 1585, A replaced by G.
Protein change: p.Thr529Ala; replaces threonine 529 with alanine.
Molecular consequence: missense variant.
Genome position (GRCh38, 1-based): chr9:35,801,953, A>G. VCF-style: chr9-35801953-A-G. GRCh37 (hg19) VCF-style: chr9-35801950-A-G.
Other names: c.1594A>G, p.Thr532Ala (NM_001378923.1); short protein forms T529A, T532A.
Identifiers: ClinVar variation 2042468 (VCV002042468.4), dbSNP rs746954271, ClinGen allele CA5051742.

ClinVar aggregate classification (germline): Uncertain significance (1 of 4 stars; one submission).

Conditions:
Tall stature-scoliosis-macrodactyly of the great toes syndrome. Also called: Epiphyseal chondrodysplasia, miura type. Identifiers: Orphanet 329191, MedGen C4014690, MONDO:0014401, OMIM 615923.
Acromesomelic dysplasia 1, Maroteaux type (AMD1). Also called: ACROMESOMELIC DYSPLASIA 1; ST. HELENA DYSPLASIA. Identifiers: Orphanet 40, MedGen C1864356, MONDO:0011275, OMIM 602875.

Submission:

Labcorp Genetics (formerly Invitae), Labcorp
Classification: Uncertain significance for Tall stature-scoliosis-macrodactyly of the great toes syndrome; Acromesomelic dysplasia 1, Maroteaux type. Last evaluated: 2022-09-02. Review status: criteria provided, single submitter. Criteria: Invitae Variant Classification Sherloc (09022015). Collection method: clinical testing. Allele origin: germline.
Comment: This variant has not been reported in the literature in individuals affected with NPR2-related conditions. This variant is not present in population databases (gnomAD no frequency). This sequence change replaces threonine, which is neutral and polar, with alanine, which is neutral and non-polar, at codon 529 of the NPR2 protein (p.Thr529Ala). Algorithms developed to predict the effect of missense changes on protein structure and function are either unavailable or do not agree on the potential impact of this missense change (SIFT: "Deleterious"; PolyPhen-2: "Benign"; Align-GVGD: "Class C55"). In summary, the available evidence is currently insufficient to determine the role of this variant in disease. Therefore, it has been classified as a Variant of Uncertain Significance.